The following is an entry in ClinVar:

NM_016818.3(ABCG1):c.1918T>C (p.Phe640Leu)

Gene: ABCG1 (ATP binding cassette subfamily G member 1; plus strand). Cytogenetic location: 21q22.3.
Variant type: single nucleotide variant.
Coding change: c.1918T>C on transcript NM_016818.3 (MANE Select); coding-DNA position 1918, T replaced by C.
Protein change: p.Phe640Leu; replaces phenylalanine 640 with leucine.
Molecular consequence: missense variant.
Genome position (GRCh38, 1-based): chr21:42,296,309, T>C. VCF-style: chr21-42296309-T-C. GRCh37 (hg19) VCF-style: chr21-43716419-T-C.
Other names: c.1954T>C, p.Phe652Leu (NM_004915.4); c.1951T>C, p.Phe651Leu (NM_207174.1); c.1924T>C, p.Phe642Leu (NM_207627.2); c.1852T>C, p.Phe618Leu (NM_207628.1); c.1909T>C, p.Phe637Leu (NM_207629.2); short protein forms F618L, F637L, F640L, F642L, F651L, F652L.
Identifiers: ClinVar variation 3345639 (VCV003345639.1).
Genomic context (GRCh38, chr21:42,296,309, plus strand): 5'-CAGAAGTCGGAGGCCATCCTGCGGGAGCTGGACGTGGAAAATGCCAAGCTGTACCTGGAC[T>C]TCATCGTACTCGGGATTTTCTTCATCTCCCTCCGCCTCATTGCCTATTTTGTCCTCAGGT-3'
Protein context (NP_058198.2, residues 630-650): DVENAKLYLD[Phe640Leu]IVLGIFFISL

ClinVar aggregate classification (germline): Uncertain significance (0 of 4 stars; one submission).

Conditions:
ABCG1-related disorder. Also called: ABCG1-related condition.

Submission:

PreventionGenetics, part of Exact Sciences
Classification: Uncertain significance for ABCG1-related condition. Last evaluated: 2024-08-08. Review status: no assertion criteria provided. Collection method: clinical testing. Allele origin: germline.
Comment: The ABCG1 c.1954T>C variant is predicted to result in the amino acid substitution p.Phe652Leu. To our knowledge, this variant has not been reported in the literature or in gnomAD, indicating this variant is rare. At this time, the clinical significance of this variant is uncertain due to the absence of conclusive functional and genetic evidence.